The following is an entry in ClinVar:

NM_001127222.2(CACNA1A):c.6060C>A (p.His2020Gln)

Gene: CACNA1A (calcium voltage-gated channel subunit alpha1 A; minus strand). Cytogenetic location: 19p13.13.
Variant type: single nucleotide variant.
Coding change: c.6060C>A on transcript NM_001127222.2 (MANE Select); coding-DNA position 6060, C replaced by A.
Protein change: p.His2020Gln; replaces histidine 2020 with glutamine.
Molecular consequence: missense variant.
Genome position (GRCh38, 1-based): chr19:13,212,513, G>T on the plus strand (C>A on the coding strand, the complement: CACNA1A is on the minus strand). VCF-style: chr19-13212513-G-T. GRCh37 (hg19) VCF-style: chr19-13323327-G-T.
Other names: c.6078C>A, p.His2026Gln (NM_000068.4, NM_023035.3); c.6063C>A, p.His2021Gln (NM_001127221.2); c.6069C>A, p.His2023Gln (NM_001174080.2); short protein forms H2020Q, H2021Q, H2023Q, H2026Q.
Identifiers: ClinVar variation 3375557 (VCV003375557.1).
Genomic context (GRCh38, chr19:13,212,513, plus strand): 5'-CTGGAACATCTCCTGGGCACGCTGGGTCACCCAGGACGGGCTCTCCTTGAGGCCGCTTTC[G>T]TGAGCCATCCTGCATGGGGGACAGAGGCCGGGGTAGCAGTGGGCGCTTGGGCAGCTTCCA-3'
Protein context (NP_001120694.1, residues 2010-2030): QLDPGGALMA[His2020Gln]ESGLKESPSW

ClinVar aggregate classification (germline): Uncertain significance (1 of 4 stars; one submission).

gnomAD v4.1: 2 of 1,573,162 alleles (0.00013%); highest among the groups gnomAD compares: South Asian, 0.0012%; no homozygotes.

Submission:

GeneDx
Classification: Uncertain significance. Last evaluated: 2024-05-08. Review status: criteria provided, single submitter. Criteria: GeneDx Variant Classification Process June 2021. Collection method: clinical testing. Allele origin: germline. Affected: yes.
Comment: Not observed at significant frequency in large population cohorts (gnomAD); In silico analysis indicates that this missense variant does not alter protein structure/function; Has not been previously published as pathogenic or benign to our knowledge